The following is an entry in ClinVar:

NM_001267550.2(TTN):c.79085T>C (p.Met26362Thr)

Genes: TTN-AS1 (TTN antisense RNA 1; plus strand), TTN (titin; minus strand). Cytogenetic location: 2q31.2.
Variant type: single nucleotide variant.
Coding change: c.79085T>C on transcript NM_001267550.2 (MANE Select); coding-DNA position 79085, T replaced by C.
Protein change: p.Met26362Thr; replaces methionine 26362 with threonine.
Molecular consequence: missense variant.
Genome position (GRCh38, 1-based): chr2:178,567,047, A>G on the plus strand (T>C on the coding strand, the complement: TTN is on the minus strand). VCF-style: chr2-178567047-A-G. GRCh37 (hg19) VCF-style: chr2-179431774-A-G.
Other names: c.74162T>C, p.Met24721Thr (NM_001256850.1); c.51890T>C, p.Met17297Thr (NM_003319.4); c.71381T>C, p.Met23794Thr (NM_133378.4); c.52265T>C, p.Met17422Thr (NM_133432.3); c.52466T>C, p.Met17489Thr (NM_133437.4); c.79085T>C (NM_001267550.1); short protein forms M26362T, M24721T, M17489T, M17422T, M23794T, M17297T.
Identifiers: ClinVar variation 404901 (VCV000404901.24), dbSNP rs529839486, ClinGen allele CA1989527.

ClinVar aggregate classification (germline): Conflicting classifications of pathogenicity. Review status: criteria provided, conflicting classifications (1 of 4 stars). 8 submissions from 8 submitters: Uncertain significance (2); Likely benign (6). Last evaluated 2026-03-03.

Conditions:
TTN-related disorder. Also called: TTN-related disorders; TTN-related condition; TTN-related disease.
Autosomal recessive limb-girdle muscular dystrophy type 2J (LGMDR10). Also called: Limb-girdle muscular dystrophy, type 2J; MUSCULAR DYSTROPHY, LIMB-GIRDLE, AUTOSOMAL RECESSIVE 10. Identifiers: Orphanet 140922, MedGen C1837342, MONDO:0012127, OMIM 608807.
Dilated cardiomyopathy 1G (CMD1G). Identifiers: Orphanet 154, MedGen C1858763, MONDO:0011400, OMIM 604145.
Cardiovascular phenotype. Identifiers: MedGen CN230736.

Allele frequency attached by ClinVar (database versions not stated): ExAC 0.00014; gnomAD exomes 0.00014 and 0.00025; 1000 Genomes Project 30x 0.00016; 1000 Genomes Project 0.00020; gnomAD 0.00023 and 0.00029; TOPMed 0.00036.
gnomAD v4.1: 257 of 1,613,658 alleles (0.016%); highest among the groups gnomAD compares: Admixed American, 0.15%; 3 homozygotes.

Submissions (8):

Women's Health and Genetics/Laboratory Corporation of America, LabCorp
Classification: Likely benign. Last evaluated: 2026-03-03. Review status: criteria provided, single submitter. Criteria: LabCorp Variant Classification Summary - May 2015. Collection method: clinical testing. Allele origin: germline.
Comment: Variant summary: TTN c.71381T>C (p.Met23794Thr) results in a non-conservative amino acid change in the encoded protein sequence. Algorithms developed to predict the effect of missense changes on protein structure and function are either unavailable or do not agree on the potential impact of this missense change. The variant allele was found at a frequency of 0.00025 in 248470 control chromosomes, predominantly at a frequency of 0.0014 within the Latino subpopulation in the gnomAD database. The observed variant frequency within Latino control individuals in the gnomAD database exceeds the estimated maximal expected allele frequency for disease-causing variants in TTN. c.71381T>C has been observed in a case of sudden unexplained death (Coll_2022). This report does not provide unequivocal conclusions about association of the variant with Dilated Cardiomyopathy or other TTN-related conditions. To our knowledge, no experimental evidence demonstrating an impact on protein function has been reported. The following publication has been ascertained in the context of this evaluation (PMID: 36293497). ClinVar contains an entry for this variant (Variation ID: 404901). Based on the evidence outlined above, the variant was classified as likely benign.

Labcorp Genetics (formerly Invitae), Labcorp
Classification: Likely benign for Dilated cardiomyopathy 1G; Autosomal recessive limb-girdle muscular dystrophy type 2J. Last evaluated: 2026-02-03. Review status: criteria provided, single submitter. Criteria: Invitae Variant Classification Sherloc (09022015). Collection method: clinical testing. Allele origin: germline.

Athena Diagnostics
Classification: Likely benign. Last evaluated: 2025-09-19. Review status: criteria provided, single submitter. Criteria: Athena Diagnostics Criteria. Collection method: clinical testing. Allele origin: unknown.
Comment: The frequency of this variant in the general population is higher than would generally be expected for pathogenic variants in this gene. Computational tools predict this amino acid change may be benign.

Revvity Omics, Revvity
Classification: Uncertain significance. Last evaluated: 2025-06-03. Review status: criteria provided, single submitter. Criteria: ACMG Guidelines, 2015. Collection method: clinical testing. Allele origin: germline.

ARUP Laboratories, Molecular Genetics and Genomics, ARUP Laboratories
Classification: Uncertain significance. Last evaluated: 2025-05-29. Review status: criteria provided, single submitter. Criteria: ARUP Molecular Germline Variant Investigation Process 2024. Collection method: clinical testing. Allele origin: germline.
Comment: The TTN c.79085T>C; p.Met26362Thr variant (rs529839486; ClinVar Variation ID: 404901) is rare in the general population (<0.2% allele frequency in the Genome Aggregation Database) and has not been reported in the medical literature in association with dilated cardiomyopathy (DCM) or other TTN-related disease. The clinical relevance of rare missense variants in this gene, which are identified on average once per individual sequenced in affected populations (Herman 2012), is not well understood. Yet, evidence suggests that the vast majority of such missense variants do not contribute to the clinical outcome of DCM (Begay 2015). Thus, the clinical significance of the p.Met26362Thr variant cannot be determined with certainty. References: Begay RL et al. Role of Titin Missense Variants in Dilated Cardiomyopathy. J Am Heart Assoc. 2015 Nov 13;4(11). PMID: 26567375. Herman DS et al. Truncations of titin causing dilated cardiomyopathy. N Engl J Med. 2012 Feb 16;366(7):619-28. PMID: 22335739. Linke WA and Hamdani N. Gigantic business: titin properties and function through thick and thin. Circ Res 2014; 114(6): 1052-1068. PMID: 24625729.

PreventionGenetics, part of Exact Sciences
Classification: Likely benign for TTN-related condition. Last evaluated: 2025-04-29. Review status: criteria provided, single submitter. Criteria: ACMG Guidelines, 2015. Collection method: clinical testing. Allele origin: germline.
Comment: This variant is classified as likely benign based on ACMG/AMP sequence variant interpretation guidelines (Richards et al. 2015 PMID: 25741868, with internal and published modifications).

GeneDx
Classification: Likely benign. Last evaluated: 2021-03-08. Review status: criteria provided, single submitter. Criteria: GeneDx Variant Classification Process June 2021. Collection method: clinical testing. Allele origin: germline. Affected: yes.

Ambry Genetics
Classification: Likely benign for Cardiovascular phenotype. Last evaluated: 2020-03-05. Review status: criteria provided, single submitter. Criteria: Ambry Variant Classification Scheme 2023. Collection method: clinical testing. Allele origin: germline.

Literature cited by the submitters: PubMed 36293497 (cited by Women's Health and Genetics/Laboratory Corporation of America, LabCorp and Athena Diagnostics); PubMed 38691546 (cited by Athena Diagnostics).